The following is an entry in ClinVar:

NM_001257180.2(SLC20A2):c.1000G>C (p.Asp334His)

Gene: SLC20A2 (solute carrier family 20 member 2; minus strand). Cytogenetic location: 8p11.21.
Variant type: single nucleotide variant.
Coding change: c.1000G>C on transcript NM_001257180.2 (MANE Select); coding-DNA position 1000, G replaced by C.
Protein change: p.Asp334His; replaces aspartic acid 334 with histidine.
Molecular consequence: missense variant.
Genome position (GRCh38, 1-based): chr8:42,437,512, C>G on the plus strand (G>C on the coding strand, the complement: SLC20A2 is on the minus strand). VCF-style: chr8-42437512-C-G. GRCh37 (hg19) VCF-style: chr8-42295030-C-G.
Other names: c.1000G>C, p.Asp334His (NM_001257181.2, NM_006749.5); short protein forms D334H.
Identifiers: ClinVar variation 2121490 (VCV002121490.4), dbSNP rs369778536, ClinGen allele CA371097635.
Genomic context (GRCh38, chr8:42,437,512, plus strand): 5'-AGAGCCCCGAGTCTTTGTGCACGGTGTGGTACACATGACCGTCGCTCCTGGTGTGGCCGT[C>G]GAAGCCGAAGGTGCCGTTGGAGATGGGCGATTTCACAGAGCCATGGGTCATGGACAGTGC-3'
Protein context (NP_001244109.1, residues 324-344): SPISNGTFGF[Asp334His]GHTRSDGHVY

ClinVar aggregate classification (germline): Uncertain significance (1 of 4 stars; one submission).

gnomAD v4.1: 2 of 1,613,988 alleles (0.00012%); highest among the groups gnomAD compares: South Asian, 0.0022%; no homozygotes.

Submission:

Labcorp Genetics (formerly Invitae), Labcorp
Classification: Uncertain significance. Last evaluated: 2022-04-04. Review status: criteria provided, single submitter. Criteria: Invitae Variant Classification Sherloc (09022015). Collection method: clinical testing. Allele origin: germline.
Comment: This sequence change replaces aspartic acid, which is acidic and polar, with histidine, which is basic and polar, at codon 334 of the SLC20A2 protein (p.Asp334His). This variant is not present in population databases (gnomAD no frequency). This variant has not been reported in the literature in individuals affected with SLC20A2-related conditions. Algorithms developed to predict the effect of missense changes on protein structure and function are either unavailable or do not agree on the potential impact of this missense change (SIFT: "Tolerated"; PolyPhen-2: "Possibly Damaging"; Align-GVGD: "Class C0"). In summary, the available evidence is currently insufficient to determine the role of this variant in disease. Therefore, it has been classified as a Variant of Uncertain Significance.